The following is an entry in ClinVar:

ClinVar aggregate classification (germline): Conflicting classifications of pathogenicity. Review status: criteria provided, conflicting classifications (1 of 4 stars). 3 submissions from 3 submitters: Uncertain significance (2); Likely benign (1). Last evaluated 2026-04-15.

Allele frequency attached by ClinVar (database versions not stated): gnomAD 0.00001; gnomAD exomes 0.00001; TOPMed below 0.00001.
gnomAD v4.1: 36 of 1,611,968 alleles (0.0022%); highest among the groups gnomAD compares: Non-Finnish European, 0.0026%; no homozygotes.

Submissions (3):

GeneDx
Classification: Uncertain significance. Last evaluated: 2026-04-15. Review status: criteria provided, single submitter. Criteria: GeneDx Variant Classification Process June 2021. Collection method: clinical testing. Allele origin: germline.
Comment: Not observed at significant frequency in large population cohorts (gnomAD); Missense variant in a gene in which most reported pathogenic variants are truncating/loss of function; Has not been previously published as pathogenic or benign to our knowledge

CeGaT Center for Human Genetics Tuebingen
Classification: Uncertain significance. Last evaluated: 2023-09-01. Review status: criteria provided, single submitter. Criteria: CeGaT Center For Human Genetics Tuebingen Variant Classification Criteria Version 2. Collection method: clinical testing. Allele origin: germline. Affected: yes. Observed: 1 variant allele.
Comment: TTN: PM2, BP4

Blueprint Genetics
Classification: Likely benign. Last evaluated: 2022-12-23. Review status: criteria provided, single submitter. Criteria: ACMG Guidelines, 2015. Collection method: clinical testing. Allele origin: germline.

NM_001267550.2(TTN):c.40780G>A (p.Glu13594Lys)

Gene: TTN (titin; minus strand). Cytogenetic location: 2q31.2.
Variant type: single nucleotide variant.
Coding change: c.40780G>A on transcript NM_001267550.2 (MANE Select); coding-DNA position 40780, G replaced by A.
Protein change: p.Glu13594Lys; replaces glutamic acid 13594 with lysine.
Molecular consequence: missense variant.
Genome position (GRCh38, 1-based): chr2:178,640,054, C>T on the plus strand (G>A on the coding strand, the complement: TTN is on the minus strand). VCF-style: chr2-178640054-C-T. GRCh37 (hg19) VCF-style: chr2-179504781-C-T.
Other names: c.35857G>A, p.Glu11953Lys (NM_001256850.1); c.13585G>A, p.Glu4529Lys (NM_003319.4); c.33076G>A, p.Glu11026Lys (NM_133378.4); c.13960G>A, p.Glu4654Lys (NM_133432.3); c.14161G>A, p.Glu4721Lys (NM_133437.4); c.40780G>A (NM_001267550.1); short protein forms E11953K, E13594K, E4654K, E4529K, E11026K, E4721K.
Identifiers: ClinVar variation 809009 (VCV000809009.37), dbSNP rs1183604013, ClinGen allele CA349662671.
Genomic context (GRCh38, chr2:178,640,054, plus strand): 5'-TGTGTGTGAATACAGAAAGAATATGCTGTTGACATTGAGGATAAGCTTGCTCACCTGCTT[C>T]GGGCTTTGGTTTCGGTTCAGGTGCAGGGAGAGGTATTGCTGGCTTGATTTCAGGCACTGA-3'
Protein context (NP_001254479.2, residues 13584-13604): LPAPEPKPKP[Glu13594Lys]AEVKTIKPPP